The following is an entry in ClinVar:

ClinVar aggregate classification (germline): Uncertain significance (1 of 4 stars; one submission).

Submission:

GeneDx
Classification: Uncertain significance. Last evaluated: 2024-09-22. Review status: criteria provided, single submitter. Criteria: GeneDx Variant Classification Process June 2021. Collection method: clinical testing. Allele origin: germline. Affected: yes.
Comment: Not observed at significant frequency in large population cohorts (gnomAD); In silico analysis supports that this missense variant has a deleterious effect on protein structure/function; Has not been previously published as pathogenic or benign to our knowledge

NM_003052.5(SLC34A1):c.436C>G (p.Pro146Ala)

Gene: SLC34A1 (solute carrier family 34 member 1; plus strand). Cytogenetic location: 5q35.3.
Variant type: single nucleotide variant.
Coding change: c.436C>G on transcript NM_003052.5 (MANE Select); coding-DNA position 436, C replaced by G.
Protein change: p.Pro146Ala; replaces proline 146 with alanine.
Molecular consequence: missense variant.
Genome position (GRCh38, 1-based): chr5:177,386,470, C>G. VCF-style: chr5-177386470-C-G. GRCh37 (hg19) VCF-style: chr5-176813471-C-G.
Other names: c.436C>G, p.Pro146Ala (NM_001167579.2); short protein forms P146A.
Identifiers: ClinVar variation 3773896 (VCV003773896.1).